The following is an entry in ClinVar:

ClinVar aggregate classification (germline): Uncertain significance. Review status: criteria provided, multiple submitters, no conflicts (2 of 4 stars). 4 submissions from 4 submitters: Uncertain significance (4). Last evaluated 2025-12-09.

Conditions:
Inborn genetic diseases. Identifiers: MedGen C0950123, MeSH D030342.
Myopathy, proximal, and ophthalmoplegia (CMYO6). Also called: MYOPATHY WITH CONGENITAL JOINT CONTRACTURES, OPHTHALMOPLEGIA, AND RIMMED VACUOLES; INCLUSION BODY MYOPATHY 3, AUTOSOMAL DOMINANT; CONGENITAL MYOPATHY 6 WITH OPHTHALMOPLEGIA. Identifiers: Orphanet 363677, Orphanet 79091, MedGen C1854106, MONDO:0011577, OMIM 605637.

Allele frequency attached by ClinVar (database versions not stated): ExAC 0.00002; gnomAD exomes 0.00003; TOPMed 0.00006; gnomAD 0.00007 and 0.00009; ESP Exome Variant Server 0.00008.
gnomAD v4.1: 57 of 1,613,972 alleles (0.0035%); highest among the groups gnomAD compares: Admixed American, 0.017%; no homozygotes.

Submissions (4):

Labcorp Genetics (formerly Invitae), Labcorp
Classification: Uncertain significance for Myopathy, proximal, and ophthalmoplegia. Last evaluated: 2025-12-09. Review status: criteria provided, single submitter. Criteria: Invitae Variant Classification Sherloc (09022015). Collection method: clinical testing. Allele origin: germline.
Comment: This sequence change replaces alanine, which is neutral and non-polar, with valine, which is neutral and non-polar, at codon 849 of the MYH2 protein (p.Ala849Val). This variant is present in population databases (rs374630865, gnomAD 0.02%). This missense change has been observed in individual(s) with clinical features of MYH2-related conditions (internal data). ClinVar contains an entry for this variant (Variation ID: 1014863). Invitae Evidence Modeling of protein sequence and biophysical properties (such as structural, functional, and spatial information, amino acid conservation, physicochemical variation, residue mobility, and thermodynamic stability) indicates that this missense variant is not expected to disrupt MYH2 protein function with a negative predictive value of 80%. In summary, the available evidence is currently insufficient to determine the role of this variant in disease. Therefore, it has been classified as a Variant of Uncertain Significance.

Ambry Genetics
Classification: Uncertain significance for Inborn genetic diseases. Last evaluated: 2025-08-24. Review status: criteria provided, single submitter. Criteria: Ambry Variant Classification Scheme 2023. Collection method: clinical testing. Allele origin: germline.

Women's Health and Genetics/Laboratory Corporation of America, LabCorp
Classification: Uncertain significance. Last evaluated: 2023-12-01. Review status: criteria provided, single submitter. Criteria: LabCorp Variant Classification Summary - May 2015. Collection method: clinical testing. Allele origin: germline.
Comment: Variant summary: MYH2 c.2546C>T (p.Ala849Val) results in a non-conservative amino acid change in the encoded protein sequence. Three of five in-silico tools predict a benign effect of the variant on protein function. The variant allele was found at a frequency of 3.2e-05 in 251348 control chromosomes (gnomAD). The available data on variant occurrences in the general population are insufficient to allow any conclusion about variant significance. To our knowledge, no occurrence of c.2546C>T in individuals affected with Myopathy, Proximal, And Ophthalmoplegia and no experimental evidence demonstrating its impact on protein function have been reported. Three submitters have cited clinical-significance assessments for this variant to ClinVar after 2014. All submitters classified the variant as uncertain significance. Based on the evidence outlined above, the variant was classified as uncertain significance.

Revvity Omics, Revvity
Classification: Uncertain significance for Myopathy, proximal, and ophthalmoplegia. Last evaluated: 2019-10-15. Review status: criteria provided, single submitter. Criteria: ACMG Guidelines, 2015. Collection method: clinical testing. Allele origin: germline.

NM_017534.6(MYH2):c.2546C>T (p.Ala849Val)

Genes: MYHAS (myosin heavy chain gene cluster antisense RNA; plus strand), MYH2 (myosin heavy chain 2; minus strand). Cytogenetic location: 17p13.1.
Variant type: single nucleotide variant.
Coding change: c.2546C>T on transcript NM_017534.6 (MANE Select); coding-DNA position 2546, C replaced by T.
Protein change: p.Ala849Val; replaces alanine 849 with valine.
Molecular consequence: missense variant.
Genome position (GRCh38, 1-based): chr17:10,531,784, G>A on the plus strand (C>T on the coding strand, the complement: MYH2 is on the minus strand). VCF-style: chr17-10531784-G-A. GRCh37 (hg19) VCF-style: chr17-10435101-G-A.
Other names: c.2546C>T, p.Ala849Val (NM_001100112.2); c.2546C>T (NM_017534.5); short protein forms A849V.
Identifiers: ClinVar variation 1014863 (VCV001014863.11), dbSNP rs374630865, ClinGen allele CA8391108.
Genomic context (GRCh38, chr17:10,531,784, plus strand): 5'-AGTTCGTCTTTAATTTTCTGAAATTCTTCCTTCATGGTGGCCATCTCCTTCTCAGTTTCT[G>A]CACTCTTCAACAGAGGCTTGATCTTGAAGAAGAGTTTCATCCAGGGCCAGTGCTTGACAT-3'
Protein context (NP_060004.3, residues 839-859): FFKIKPLLKS[Ala849Val]ETEKEMATMK